The following is an entry in ClinVar:

NM_001035.3(RYR2):c.6224T>C (p.Ile2075Thr)

Gene: RYR2 (ryanodine receptor 2; plus strand). Cytogenetic location: 1q43.
Variant type: single nucleotide variant.
Coding change: c.6224T>C on transcript NM_001035.3 (MANE Select); coding-DNA position 6224, T replaced by C.
Protein change: p.Ile2075Thr; replaces isoleucine 2075 with threonine.
Molecular consequence: missense variant.
Genome position (GRCh38, 1-based): chr1:237,627,864, T>C. VCF-style: chr1-237627864-T-C. GRCh37 (hg19) VCF-style: chr1-237791164-T-C.
Other names: c.6224T>C (NM_001035.2); short protein forms I2075T.
Identifiers: ClinVar variation 4742754 (VCV004742754.2).

ClinVar aggregate classification (germline): Uncertain significance. Review status: criteria provided, multiple submitters, no conflicts (2 of 4 stars). 2 submissions from 2 submitters: Uncertain significance (2). Last evaluated 2026-08-21.

Conditions:
Catecholaminergic polymorphic ventricular tachycardia 1. Also called: VENTRICULAR TACHYCARDIA, CATECHOLAMINERGIC POLYMORPHIC, 1, WITH OR WITHOUT ATRIAL DYSFUNCTION AND/OR DILATED CARDIOMYOPATHY; VENTRICULAR TACHYCARDIA, STRESS-INDUCED POLYMORPHIC 1; RYR2-Related Catecholaminergic Polymorphic Ventricular Tachycardia. Identifiers: Orphanet 3286, MedGen C1631597, MONDO:0011484, OMIM 604772.
Cardiovascular phenotype. Identifiers: MedGen CN230736.

gnomAD v4.1: 7 of 1,613,544 alleles (0.00043%); highest among the groups gnomAD compares: Middle Eastern, 0.016%; no homozygotes.

Submissions (2):

Ambry Genetics
Classification: Uncertain significance for Cardiovascular phenotype. Last evaluated: 2026-08-21. Review status: criteria provided, single submitter. Criteria: Ambry Variant Classification Scheme 2023. Collection method: clinical testing. Allele origin: germline.
Comment: The p.I2075T variant (also known as c.6224T>C), located in coding exon 41 of the RYR2 gene, results from a T to C substitution at nucleotide position 6224. The isoleucine at codon 2075 is replaced by threonine, an amino acid with similar properties. This variant was reported in individual(s) with features consistent with ventricular arrhythmia, having an additional alteration in RYR2 identified in the affected individuals (Paech C et al. Pediatr Cardiol, 2014 Dec;35:1437-41). This amino acid position is well conserved in available vertebrate species. In addition, this alteration is predicted to be deleterious by in silico analysis. Based on the available evidence, the clinical significance of this variant remains unclear.

Labcorp Genetics (formerly Invitae), Labcorp
Classification: Uncertain significance for Catecholaminergic polymorphic ventricular tachycardia 1. Last evaluated: 2025-02-23. Review status: criteria provided, single submitter. Criteria: Invitae Variant Classification Sherloc (09022015). Collection method: clinical testing. Allele origin: germline.
Comment: This sequence change replaces isoleucine, which is neutral and non-polar, with threonine, which is neutral and polar, at codon 2075 of the RYR2 protein (p.Ile2075Thr). This variant is present in population databases (rs768147116, gnomAD 0.007%). This missense change has been observed in individual(s) with RYR2-related conditions (PMID: 24950728, 30403697, 33536282). Invitae Evidence Modeling of protein sequence and biophysical properties (such as structural, functional, and spatial information, amino acid conservation, physicochemical variation, residue mobility, and thermodynamic stability) indicates that this missense variant is expected to disrupt RYR2 protein function with a positive predictive value of 95%. In summary, the available evidence is currently insufficient to determine the role of this variant in disease. Therefore, it has been classified as a Variant of Uncertain Significance.

Literature cited by the submitters: PubMed 24950728 (cited by Ambry Genetics and Labcorp Genetics (formerly Invitae), Labcorp); PubMed 30403697 (cited by Labcorp Genetics (formerly Invitae), Labcorp); PubMed 33536282 (cited by Labcorp Genetics (formerly Invitae), Labcorp).